The following is an entry in ClinVar:

NM_001040108.2(MLH3):c.3127G>T (p.Asp1043Tyr)

Gene: MLH3 (mutL homolog 3; minus strand). Cytogenetic location: 14q24.3.
Variant type: single nucleotide variant.
Coding change: c.3127G>T on transcript NM_001040108.2 (MANE Select); coding-DNA position 3127, G replaced by T.
Protein change: p.Asp1043Tyr; replaces aspartic acid 1043 with tyrosine.
Molecular consequence: missense variant.
Genome position (GRCh38, 1-based): chr14:75,046,529, C>A on the plus strand (G>T on the coding strand, the complement: MLH3 is on the minus strand). VCF-style: chr14-75046529-C-A. GRCh37 (hg19) VCF-style: chr14-75513232-C-A.
Other names: c.3127G>T, p.Asp1043Tyr (NM_014381.3); short protein forms D1043Y.
Identifiers: ClinVar variation 3396653 (VCV003396653.1).
Genomic context (GRCh38, chr14:75,046,529, plus strand): 5'-CAGTCATTTTGTTGACATAAACCATTCTTCCCAGGGCTACATCGAAATGCCGCTGCCAAT[C>A]TGAACAACACGTGTTTGACTCTTCAGTTTCAGAACAAGCTCTTGCTTTAGATTCCTCACT-3'
Protein context (NP_001035197.1, residues 1033-1053): ETEESNTCCS[Asp1043Tyr]WQRHFDVALG

ClinVar aggregate classification (germline): Uncertain significance (1 of 4 stars; one submission).

Submission:

Ambry Genetics
Classification: Uncertain significance. Last evaluated: 2024-06-26. Review status: criteria provided, single submitter. Criteria: Ambry Variant Classification Scheme 2023. Collection method: clinical testing. Allele origin: germline.
Comment: The p.D1043Y variant (also known as c.3127G>T), located in coding exon 1 of the MLH3 gene, results from a G to T substitution at nucleotide position 3127. The aspartic acid at codon 1043 is replaced by tyrosine, an amino acid with highly dissimilar properties. This amino acid position is conserved. In addition, the in silico prediction for this alteration is inconclusive. Based on the available evidence, the clinical significance of this variant remains unclear.